The following is an entry in ClinVar:

NM_001035.3(RYR2):c.12923T>G (p.Ile4308Ser)

Genes: RYR2 (ryanodine receptor 2; plus strand), LOC126806068 (BRD4-independent group 4 enhancer GRCh37_chr1:237947411-237948610; plus strand). Cytogenetic location: 1q43.
Variant type: single nucleotide variant.
Coding change: c.12923T>G on transcript NM_001035.3 (MANE Select); coding-DNA position 12923, T replaced by G.
Protein change: p.Ile4308Ser; replaces isoleucine 4308 with serine.
Molecular consequence: missense variant.
Genome position (GRCh38, 1-based): chr1:237,784,635, T>G. VCF-style: chr1-237784635-T-G. GRCh37 (hg19) VCF-style: chr1-237947935-T-G.
Other names: short protein forms I4308S.
Identifiers: ClinVar variation 3361837 (VCV003361837.3).

ClinVar aggregate classification (germline): Uncertain significance. Review status: criteria provided, multiple submitters, no conflicts (2 of 4 stars). 2 submissions from 2 submitters: Uncertain significance (2). Last evaluated 2025-02-27.

Conditions:
Catecholaminergic polymorphic ventricular tachycardia 1. Also called: VENTRICULAR TACHYCARDIA, STRESS-INDUCED POLYMORPHIC 1; VENTRICULAR TACHYCARDIA, CATECHOLAMINERGIC POLYMORPHIC, 1, WITH OR WITHOUT ATRIAL DYSFUNCTION AND/OR DILATED CARDIOMYOPATHY; RYR2-Related Catecholaminergic Polymorphic Ventricular Tachycardia. Identifiers: Orphanet 3286, MedGen C1631597, MONDO:0011484, OMIM 604772.

Submissions (2):

Labcorp Genetics (formerly Invitae), Labcorp
Classification: Uncertain significance for Catecholaminergic polymorphic ventricular tachycardia 1. Last evaluated: 2025-02-27. Review status: criteria provided, single submitter. Criteria: Invitae Variant Classification Sherloc (09022015). Collection method: clinical testing. Allele origin: germline.
Comment: This sequence change replaces isoleucine, which is neutral and non-polar, with serine, which is neutral and polar, at codon 4308 of the RYR2 protein (p.Ile4308Ser). This variant is not present in population databases (gnomAD no frequency). This variant has not been reported in the literature in individuals affected with RYR2-related conditions. ClinVar contains an entry for this variant (Variation ID: 3361837). Invitae Evidence Modeling of protein sequence and biophysical properties (such as structural, functional, and spatial information, amino acid conservation, physicochemical variation, residue mobility, and thermodynamic stability) indicates that this missense variant is expected to disrupt RYR2 protein function with a positive predictive value of 80%. In summary, the available evidence is currently insufficient to determine the role of this variant in disease. Therefore, it has been classified as a Variant of Uncertain Significance.

GeneDx
Classification: Uncertain significance. Last evaluated: 2025-01-24. Review status: criteria provided, single submitter. Criteria: GeneDx Variant Classification Process June 2021. Collection method: clinical testing. Allele origin: germline.
Comment: Not observed at significant frequency in large population cohorts (gnomAD); In silico analysis supports that this missense variant has a deleterious effect on protein structure/function; Has not been previously published as pathogenic or benign to our knowledge; This variant is associated with the following publications: (PMID: 19926015)